The following is an entry in ClinVar:

NM_018062.4(FANCL):c.1023_1031del (p.Trp341_Gly344delinsTer)

Gene: FANCL (FA complementation group L; minus strand). Cytogenetic location: 2p16.1.
Variant type: Deletion.
Coding change: c.1023_1031del on transcript NM_018062.4 (MANE Select); coding-DNA positions 1023 to 1031, 9 bases deleted (GCTGAGAGG; older notation c.1023_1031delGCTGAGAGG).
Protein change: p.Trp341_Gly344delinsTer.
Molecular consequence: nonsense. On other transcripts: inframe indel (1).
Genome position (GRCh38, 1-based): chr2:58,160,169-58,160,177, CCTCTCAGC deleted on the plus strand (GCTGAGAGG on the coding strand, the reverse complement: FANCL is on the minus strand); deleting any 9 consecutive bases within chr2:58,160,169-58,160,178 gives the same sequence; the c. name uses the placement nearest the transcript's 3' end. VCF-style (leftmost placement, unchanged base first): chr2-58160168-TCCTCTCAGC-T. GRCh37 (hg19) VCF-style: chr2-58387303-TCCTCTCAGC-T.
Other names: c.1037_1045delGGCTGAGAG, p.Trp346_His380del (NM_001114636.2); c.1068_1076del, p.Trp356_Gly359delinsTer (NM_001374615.1); c.1083_1091del, p.Trp361_Gly364delinsTer (NM_001410792.1).
Identifiers: ClinVar variation 2675675 (VCV002675675.4), dbSNP rs2466549385, ClinGen allele CA2695200807.
Genomic context (GRCh38, chr2:58,160,168, plus strand): 5'-CTTACTACAATATGGACATTCACCAAATATGATGTTAAAACTCTGTCTACTAGTTAGTAG[TCCTCTCAGC>T]CACTGCAAATTTTAAAAGATAAAGGAGAAGCGTCAGCATGATTACAAATTACAGATACTC-3'

ClinVar aggregate classification (germline): Pathogenic/Likely pathogenic. Review status: criteria provided, multiple submitters, no conflicts (2 of 4 stars). 2 submissions from 2 submitters: Pathogenic (1); Likely pathogenic (1). Last evaluated 2023-03-27.

Conditions:
Fanconi anemia (FA). Also called: Fanconi's anemia. Identifiers: Orphanet 84, MedGen C0015625, MeSH D005199, MONDO:0019391.
Fanconi anemia complementation group L (FANCL). Also called: FANCL-Related Fanconi Anemia. Identifiers: Orphanet 84, MedGen C3469528, MONDO:0013566, OMIM 614083.

Submissions (2):

Labcorp Genetics (formerly Invitae), Labcorp
Classification: Pathogenic for Fanconi anemia. Last evaluated: 2023-03-27. Review status: criteria provided, single submitter. Criteria: Invitae Variant Classification Sherloc (09022015). Collection method: clinical testing. Allele origin: germline.
Comment: For these reasons, this variant has been classified as Pathogenic. Algorithms developed to predict the effect of sequence changes on RNA splicing suggest that this variant may disrupt the consensus splice site. This variant has not been reported in the literature in individuals affected with FANCL-related conditions. This variant is not present in population databases (gnomAD no frequency). This sequence change creates a premature translational stop signal (p.Trp341*) in the FANCL gene. It is expected to result in an absent or disrupted protein product. Loss-of-function variants in FANCL are known to be pathogenic (PMID: 19405097, 23613520).

Baylor Genetics
Classification: Likely pathogenic for Fanconi anemia complementation group L. Last evaluated: 2022-12-17. Review status: criteria provided, single submitter. Criteria: ACMG Guidelines, 2015. Collection method: clinical testing. Allele origin: unknown.

Literature cited by the submitters: PubMed 19405097 (cited by Labcorp Genetics (formerly Invitae), Labcorp); PubMed 23613520 (cited by Labcorp Genetics (formerly Invitae), Labcorp).